The following is an entry in ClinVar:

ClinVar aggregate classification (germline): Benign (1 of 4 stars; one submission).

Allele frequency attached by ClinVar (database versions not stated): gnomAD exomes 0.17504; gnomAD 0.23103 and 0.23365; TOPMed 0.24554; 1000 Genomes Project 0.27396; 1000 Genomes Project 30x 0.27904.
gnomAD v4.1: 169,065 of 913,528 alleles (19%); highest among the groups gnomAD compares: African/African-American, 40%; 17,929 homozygotes.

Submission:

GeneDx
Classification: Benign. Last evaluated: 2018-06-14. Review status: criteria provided, single submitter. Criteria: GeneDx Variant Classification (06012015). Collection method: clinical testing. Allele origin: germline. Affected: yes.
Comment: This variant is considered likely benign or benign based on one or more of the following criteria: it is a conservative change, it occurs at a poorly conserved position in the protein, it is predicted to be benign by multiple in silico algorithms, and/or has population frequency not consistent with disease.

NM_001101426.4(CRPPA):c.789+57T>G

Gene: CRPPA (CDP-L-ribitol pyrophosphorylase A; minus strand). Cytogenetic location: 7p21.2.
Variant type: single nucleotide variant.
Coding change: c.789+57T>G on transcript NM_001101426.4 (MANE Select); 57 bases into the intron after coding-DNA position 789, T replaced by G.
Molecular consequence: intron variant.
Genome position (GRCh38, 1-based): chr7:16,308,466, A>C on the plus strand (T>G on the coding strand, the complement: CRPPA is on the minus strand). VCF-style: chr7-16308466-A-C. GRCh37 (hg19) VCF-style: chr7-16348091-A-C.
Other names: c.639+57T>G (NM_001101417.4); c.685-7000T>G (NM_001368197.1).
Identifiers: ClinVar variation 681996 (VCV000681996.1), dbSNP rs13437646, ClinGen allele CA12458032.